The following continues an entry in ClinVar:

NM_000441.2(SLC26A4):c.1226G>A (p.Arg409His)

Gene: SLC26A4. ClinVar aggregate classification (germline): Pathogenic/Likely pathogenic. Pathogenic (23); Likely pathogenic (1).

Submissions 15 to 29 of 29:

Kariminejad - Najmabadi Pathology & Genetics Center
Classification: Pathogenic for Ear malformation. Last evaluated: 2021-07-10. Review status: criteria provided, single submitter. Criteria: ACMG Guidelines, 2015. Collection method: clinical testing. Allele origin: germline. Affected: yes.

GeneDx
Classification: Pathogenic. Last evaluated: 2020-06-29. Review status: criteria provided, single submitter. Criteria: GeneDx Variant Classification Process June 2021. Collection method: clinical testing. Allele origin: germline. Affected: yes.
Comment: Published functional studies demonstrate a damaging effect due to reduction of pendrin-induced iodide and chloride transport (Gillam et al., 2005; Pera et al., 2008; Wasano et al., 2020); In silico analysis supports that this missense variant has a deleterious effect on protein structure/function; This variant is associated with the following publications: (PMID: 27247933, 21154317, 19017801, 16053392, 24348793, 23273637, 26226137, 22717225, 19608655, 25266519, 19786220, 9618166, 11919333, 27771369, 28964290, 30760291, 31599023, 21961810, 16570074, 24224479, 26100058, 20597900, 31541171, 31827275, 30896630, 32425884, 30275481, 31589614, 32447495, 32860223)

Molecular Diagnostics Lab, Nemours Children's Health, Delaware
Classification: Likely pathogenic for Pendred syndrome. Last evaluated: 2020-05-14. Review status: criteria provided, single submitter. Criteria: ACMG Guidelines, 2015. Collection method: clinical testing. Allele origin: unknown. Inheritance: Autosomal recessive inheritance. Affected: yes. Observed: 1 variant allele.

Myriad Genetics, Inc.
Classification: Pathogenic for Pendred syndrome. Last evaluated: 2020-01-06. Review status: criteria provided, single submitter. Criteria: Myriad Women's Health Autosomal Recessive and X-Linked Classification Criteria (2019). Collection method: clinical testing. Allele origin: unknown.
Comment: NM_000441.1(SLC26A4):c.1226G>A(R409H) is classified as pathogenic in the context of Pendred syndrome. Sources cited for classification include the following: PMID 17718863, 17443271, 15355436, 18813951, 11919333, 19786220, 16053392, 21961810, 24224479 and 19017801. Classification of NM_000441.1(SLC26A4):c.1226G>A(R409H) is based on the following criteria: This is a well-established pathogenic variant in the literature that has been observed more frequently in patients with clinical diagnoses than in healthy populations. Please note: this variant was assessed in the context of healthy population screening.

Victorian Clinical Genetics Services, Murdoch Childrens Research Institute
Classification: Pathogenic for Autosomal recessive nonsyndromic hearing loss 4. Last evaluated: 2018-04-09. Review status: criteria provided, single submitter. Criteria: ACMG Guidelines, 2015. Collection method: clinical testing. Allele origin: unknown. Affected: yes.
Comment: A heterozygous missense variant, NM_000441.1(SLC26A4):c.1226G>A, has been identified in exon 10 of 21 of the SLC26A4 gene. The variant is predicted to result in a minor amino acid change from arginine to histidine at position 409 of the protein (NP_000432.1(SLC26A4):p.(Arg409His)). The arginine residue at this position has very high conservation (100 vertebrates, UCSC), and is located within the sulfate permease superfamily. In silico predictions for this variant are consistently pathogenic (Polyphen, SIFT, CADD, Mutation Taster). The variant is present in the gnomAD database at a frequency of 0.009% (0 homozygotes). The variant has been previously described as pathogenic multiple times (Kahrizi K. et al. (2009), Blons H. et al. (2004); Bogazzi F. et al. (2014), Chai Y. et al. (2013)). It has also been shown to segregate with the disease in at least 1 family (Fugazzola L. et al. 2007). Additionally, it has been shown that the mutation impairs pendrin (an anion exhange protein) function. Functional studies demonstrate that mutants lose the ability to mediate iodide efflux (Gillaim M. et al. 2005). Three different variants in the same codon resulting in a change to cysteine, proline and leucine have also been shown to cause Pendred syndrome and enlarged vestibular aqueduct (ClinVar, HGMD). Based on the information available at the time of curation, this variant has been classified as PATHOGENIC.

Division of Hearing and Balance Research, National Hospital Organization Tokyo Medical Center
Classification: Pathogenic for Autosomal recessive nonsyndromic hearing loss 4. Last evaluated: 2017-07-01. Review status: criteria provided, single submitter. Criteria: Submitter's publication. Collection method: clinical testing. Allele origin: germline. Affected: yes. Observed: 1 variant allele.

ARUP Laboratories, Molecular Genetics and Genomics, ARUP Laboratories
Classification: Pathogenic. Last evaluated: 2017-03-02. Review status: criteria provided, single submitter. Criteria: ARUP Molecular Germline Variant Investigation Process. Collection method: clinical testing. Allele origin: germline.

Laboratory for Molecular Medicine, Mass General Brigham Personalized Medicine
Classification: Pathogenic for Rare genetic deafness. Last evaluated: 2015-08-26. Review status: criteria provided, single submitter. Criteria: LMM Criteria. Collection method: clinical testing. Allele origin: germline. Observed: 7 variant alleles.
Comment: The p.Arg409His variant in SLC26A4 has been identified in >20 individuals with h earing loss and EVA and/or goiter who were homozygous or compound heterozygous w ith a disease-causing variant on the remaining allele. In addition, the p.Arg40 9His variant segregated with disease in at least three affected siblings (Blons 2004, Chai 2013, Fugazzola 2007, Pera 2008, Pera 2008, Rendtorff 2013, Van Hauwe 1998, LMM data). This variant has been identified in 13/66658 European chromos omes by the Exome Aggregation Consortium (ExAC; dbSNP rs111033305); however, this frequency is low enough to be consistent with a recessive carrier frequency. In summary, this variant meets our criteria to be classified as pathogenic for DFNB4 hearing loss or Pendred syndrome in an autos omal recessive manner based on multiple co-occurrences with pathogenic SLC26A4 v ariants in individuals with hearing loss.

Juno Genomics, Hangzhou Juno Genomics, Inc
Classification: Pathogenic for Autosomal recessive nonsyndromic hearing loss 4; Pendred syndrome. Review status: criteria provided, single submitter. Criteria: ACMG Guidelines, 2015. Collection method: clinical testing. Allele origin: germline. Affected: yes.
Comment: Allele frequency is greater than expected for disorder.;For recessive disorders, detected in trans with a pathogenic variant.;Patient's phenotype or family history is highly specific for a disease with a single genetic etiology.;Co-segregation with disease in multiple affected family members.;Well-established in vitro or in vivo functional studies supportive of a damaging effect on the gene or gene product.

Laboratory of Molecular, Cellular and Translation Genetics in Otolaryngology/ Lim32-hcfmusp, University of Sao Paulo School of Medicine Clinics Hospital
Classification: Pathogenic for Pendred syndrome. Review status: criteria provided, single submitter. Criteria: ClinGen HL ACMG Specifications v1. Collection method: research. Allele origin: germline. Inheritance: Autosomal recessive inheritance. Affected: yes. Observed: 2 variant alleles, 2 homozygotes. Clinical features observed: Prelingual sensorineural hearing impairment (HP:0000399), Incomplete partition of the cochlea type II (HP:0000376), Enlarged vestibular aqueduct syndrome (HP:0011387). Segregation with disease observed.
Comment: in homozygosis in two siblings with bilateralnon-syndromic sensorineural prelingual hearing loss (familial)

Zotz-Klimas Genetics Lab, MVZ Zotz Klimas
Classification: Pathogenic for Autosomal recessive nonsyndromic hearing loss 4. Last evaluated: 2023-10-30. Review status: no assertion criteria provided. Collection method: clinical testing. Allele origin: germline. Affected: yes. Not counted in ClinVar's aggregate classification.

The Core Laboratory in Medical Center of Clinical Research, Shanghai Ninth People's Hospital, Shanghai Jiaotong University School of Medicine
Classification: Pathogenic for Pendred syndrome. Last evaluated: 2020-05-12. Review status: no assertion criteria provided. Collection method: clinical testing. Allele origin: inherited. Affected: yes. Observed: 1 variant allele. Not counted in ClinVar's aggregate classification.

National Institute of Sensory Organs, National Hospital Organization Tokyo Medical Center
Classification: Affects for Autosomal recessive nonsyndromic hearing loss 4. Last evaluated: 2019-08-20. Review status: no assertion criteria provided. Collection method: clinical testing, in vitro. Allele origin: germline. Inheritance: Autosomal recessive inheritance. Affected: yes. Functional consequence: loss_of_function_variant. Not counted in ClinVar's aggregate classification.
Comment: in vitro experiment

Genetic Testing Center for Deafness, Department of Otolaryngology Head & Neck Surgery, Institute of Otolaryngology, Chinese PLA General Hospital
Classification: Likely pathogenic for Autosomal recessive nonsyndromic hearing loss 4. Last evaluated: 2019-02-26. Review status: no assertion criteria provided. Collection method: case-control. Allele origin: inherited. Affected: yes. Observed: 1 variant allele. Not counted in ClinVar's aggregate classification.

University of Washington Center for Mendelian Genomics, University of Washington
Classification: Likely pathogenic for non-syndromic autosomal recessive hearing loss. Review status: no assertion criteria provided. Collection method: research. Allele origin: inherited. Affected: yes. Not counted in ClinVar's aggregate classification.

Literature cited by the submitters: PubMed 11919333 (cited by 4 submitters); PubMed 16053392 (cited by 5 submitters); PubMed 19786220 (cited by 4 submitters); PubMed 20597900 (cited by Labcorp Genetics (formerly Invitae), Labcorp); PubMed 21961810 (cited by 3 submitters); PubMed 24224479 (cited by 3 submitters); PubMed 26100058 (cited by Labcorp Genetics (formerly Invitae), Labcorp); PubMed 26226137 (cited by Labcorp Genetics (formerly Invitae), Labcorp and National Institute of Sensory Organs, National Hospital Organization Tokyo Medical Center); PubMed 18167283 (cited by Labcorp Genetics (formerly Invitae), Labcorp); PubMed 23185506 (cited by Labcorp Genetics (formerly Invitae), Labcorp and Molecular Diagnostics Lab, Nemours Children's Health, Delaware); PubMed 25372295 (cited by Labcorp Genetics (formerly Invitae), Labcorp); PubMed 30554688 (cited by Natera, Inc.); PubMed 17766716 (cited by 4 submitters); PubMed 9618166 (cited by 4 submitters); PubMed 23918157 (cited by Women's Health and Genetics/Laboratory Corporation of America, LabCorp and Laboratory for Molecular Medicine, Mass General Brigham Personalized Medicine); PubMed 9618167 (cited by Molecular Diagnostics Lab, Nemours Children's Health, Delaware and Laboratory for Molecular Medicine, Mass General Brigham Personalized Medicine); PubMed 17718863 (cited by Myriad Genetics, Inc.); PubMed 17443271 (cited by Myriad Genetics, Inc.); PubMed 15355436 (cited by Myriad Genetics, Inc. and Laboratory for Molecular Medicine, Mass General Brigham Personalized Medicine); PubMed 18813951 (cited by Myriad Genetics, Inc.); PubMed 19017801 (cited by Myriad Genetics, Inc. and Laboratory for Molecular Medicine, Mass General Brigham Personalized Medicine); PubMed 19608655 (cited by Laboratory for Molecular Medicine, Mass General Brigham Personalized Medicine and National Institute of Sensory Organs, National Hospital Organization Tokyo Medical Center); PubMed 18285825 (cited by Laboratory for Molecular Medicine, Mass General Brigham Personalized Medicine); PubMed 23336812 (cited by Laboratory for Molecular Medicine, Mass General Brigham Personalized Medicine); PubMed 34599368 (cited by Laboratory of Molecular, Cellular and Translation Genetics in Otolaryngology/ Lim32-hcfmusp, University of Sao Paulo School of Medicine Clinics Hospital); PubMed 21154317 (cited by National Institute of Sensory Organs, National Hospital Organization Tokyo Medical Center); PubMed 25266519 (cited by National Institute of Sensory Organs, National Hospital Organization Tokyo Medical Center); PubMed 27771369 (cited by National Institute of Sensory Organs, National Hospital Organization Tokyo Medical Center); PubMed 28964290 (cited by National Institute of Sensory Organs, National Hospital Organization Tokyo Medical Center); PubMed 30760291 (cited by National Institute of Sensory Organs, National Hospital Organization Tokyo Medical Center); PubMed 31599023 (cited by National Institute of Sensory Organs, National Hospital Organization Tokyo Medical Center); PubMed 30303587 (cited by University of Washington Center for Mendelian Genomics, University of Washington).